The following is an entry in ClinVar:

NM_004364.5(CEBPA):c.-9_-6del

Genes: CEBPA (CCAAT enhancer binding protein alpha; minus strand), LOC130064183 (ATAC-STARR-seq lymphoblastoid silent region 10495; plus strand). Cytogenetic location: 19q13.11.
Variant type: Deletion.
Coding change: c.-9_-6del on transcript NM_004364.5 (MANE Select); 9 bases upstream of the start codon through 6 bases upstream of the start codon, 4 bases deleted (AACT; older notation c.-9_-6delAACT).
Molecular consequence: 5 prime UTR variant. On other transcripts: frameshift variant (1).
Genome position (GRCh38, 1-based): chr19:33,302,420-33,302,423, AGTT deleted on the plus strand (AACT on the coding strand, the reverse complement: CEBPA is on the minus strand); deleting any 4 consecutive bases within chr19:33,302,420-33,302,425 gives the same sequence; the c. name uses the placement nearest the transcript's 3' end. VCF-style (leftmost placement, unchanged base first): chr19-33302419-GAGTT-G. GRCh37 (hg19) VCF-style: chr19-33793325-GAGTT-G.
Other names: c.-366_-363del (NM_001285829.2); c.97_100del, p.Asn33fs (NM_001287424.2); c.-51_-48del (NM_001287435.2); short protein forms N33fs.
Identifiers: ClinVar variation 3378366 (VCV003378366.1).

ClinVar aggregate classification (germline): Uncertain significance (1 of 4 stars; one submission).

Submission:

GeneDx
Classification: Uncertain significance. Last evaluated: 2024-05-17. Review status: criteria provided, single submitter. Criteria: GeneDx Variant Classification Process June 2021. Collection method: clinical testing. Allele origin: germline. Affected: yes.
Comment: Not observed at significant frequency in large population cohorts (gnomAD); Has not been previously published as pathogenic or benign to our knowledge